The following is an entry in ClinVar:

NM_020191.4(MRPS22):c.172+7G>T

Genes: MRPS22 (mitochondrial ribosomal protein S22; plus strand), LOC112903839 (Sharpr-MPRA regulatory region 3993; plus strand). Cytogenetic location: 3q23.
Variant type: single nucleotide variant.
Coding change: c.172+7G>T on transcript NM_020191.4 (MANE Select); 7 bases into the intron after coding-DNA position 172, G replaced by T.
Molecular consequence: intron variant.
Genome position (GRCh38, 1-based): chr3:139,344,205, G>T. VCF-style: chr3-139344205-G-T. GRCh37 (hg19) VCF-style: chr3-139063047-G-T.
Other names: c.172+7G>T (NM_001363893.1).
Identifiers: ClinVar variation 743755 (VCV000743755.36), dbSNP rs777163637, ClinGen allele CA2640629.

ClinVar aggregate classification (germline): Conflicting classifications of pathogenicity. Review status: criteria provided, conflicting classifications (1 of 4 stars). 3 submissions from 3 submitters: Uncertain significance (1); Likely benign (2). Last evaluated 2025-11-24.

Conditions:
Hypotonia with lactic acidemia and hyperammonemia. Identifiers: Orphanet 137908, MedGen C2673642, MONDO:0012718, OMIM 611719.

Allele frequency attached by ClinVar (database versions not stated): gnomAD exomes 0.00005 and 0.00007; gnomAD 0.00006; ExAC 0.00012; TOPMed 0.00012.
gnomAD v4.1: 78 of 1,600,418 alleles (0.0049%); highest among the groups gnomAD compares: Middle Eastern, 0.019%; no homozygotes.

Submissions (3):

Labcorp Genetics (formerly Invitae), Labcorp
Classification: Likely benign. Last evaluated: 2025-11-24. Review status: criteria provided, single submitter. Criteria: Invitae Variant Classification Sherloc (09022015). Collection method: clinical testing. Allele origin: germline.

CeGaT Center for Human Genetics Tuebingen
Classification: Likely benign. Last evaluated: 2025-11-01. Review status: criteria provided, single submitter. Criteria: CeGaT Center For Human Genetics Tuebingen Variant Classification Criteria Version 2. Collection method: clinical testing. Allele origin: germline. Affected: yes. Observed: 2 variant alleles.
Comment: MRPS22: BP4, BS2

Illumina Laboratory Services, Illumina
Classification: Uncertain significance for Hypotonia with lactic acidemia and hyperammonemia. Last evaluated: 2018-01-12. Review status: criteria provided, single submitter. Criteria: ICSL Variant Classification Criteria 13 December 2019. Collection method: clinical testing. Allele origin: germline.